The following is an entry in ClinVar:

NM_004655.4(AXIN2):c.2405+125G>T

Gene: AXIN2 (axin 2; minus strand). Cytogenetic location: 17q24.1.
Variant type: single nucleotide variant.
Coding change: c.2405+125G>T on transcript NM_004655.4 (MANE Select); 125 bases into the intron after coding-DNA position 2405, G replaced by T.
Molecular consequence: intron variant.
Genome position (GRCh38, 1-based): chr17:65,533,787, C>A on the plus strand (G>T on the coding strand, the complement: AXIN2 is on the minus strand). VCF-style: chr17-65533787-C-A. GRCh37 (hg19) VCF-style: chr17-63529905-C-A.
Other names: c.2210+125G>T (NM_001363813.1).
Identifiers: ClinVar variation 676477 (VCV000676477.2), dbSNP rs58015273, ClinGen allele CA293092988.
Genomic context (GRCh38, chr17:65,533,787, plus strand): 5'-GCTTCGTTATTGCTGCTAGCGGTGAGGGGAGAGAAGAAATGAGAAGGGAGCCTCCCCCAG[C>A]GCCTGCTGAGCCCCCTCCCACCCTGCCCCACCTAGGTCTGCTCAGCCAGGGGAGCTGCTC-3'

ClinVar aggregate classification (germline): Benign. Review status: criteria provided, multiple submitters, no conflicts (2 of 4 stars). 2 submissions from 2 submitters: Benign (2). Last evaluated 2018-06-15.

Allele frequency attached by ClinVar (database versions not stated): gnomAD 0.06912; TOPMed 0.07471; 1000 Genomes Project 30x 0.12586; 1000 Genomes Project 0.12859.
gnomAD v4.1: 33,958 of 1,012,060 alleles (3.4%); highest among the groups gnomAD compares: East Asian, 19%; 2,066 homozygotes.

Submissions (2):

GeneDx
Classification: Benign. Last evaluated: 2018-06-15. Review status: criteria provided, single submitter. Criteria: GeneDx Variant Classification (06012015). Collection method: clinical testing. Allele origin: germline. Affected: yes.
Comment: This variant is considered likely benign or benign based on one or more of the following criteria: it is a conservative change, it occurs at a poorly conserved position in the protein, it is predicted to be benign by multiple in silico algorithms, and/or has population frequency not consistent with disease.

Breakthrough Genomics
Classification: Benign. Review status: criteria provided, single submitter. Criteria: ACMG Guidelines, 2015. Collection method: not provided. Allele origin: germline. Inheritance: Autosomal dominant inheritance. Affected: yes.